The following is an entry in ClinVar:

ClinVar aggregate classification (germline): Uncertain significance (1 of 4 stars; one submission).

Conditions:
Marfan syndrome (MFS). Also called: MARFAN SYNDROME, TYPE I; Marfan syndrome type 1; Marfan's syndrome; Marfan syndrome, classic; FBN1-Related Marfan Syndrome. Identifiers: Orphanet 284963, Orphanet 558, MedGen C0024796, MONDO:0007947, OMIM 154700.

gnomAD v4.1: 1 of 1,614,150 alleles (0.000062%); highest among the groups gnomAD compares: Non-Finnish European, 0.000085%; no homozygotes.

Submission:

All of Us Research Program, National Institutes of Health
Classification: Uncertain significance for Marfan syndrome. Last evaluated: 2023-05-04. Review status: criteria provided, single submitter. Criteria: ACMG Guidelines, 2015. Collection method: clinical testing. Allele origin: germline. Inheritance: Autosomal dominant inheritance. Observed: 1 variant allele, 1 heterozygote.
Comment: This missense variant replaces leucine with isoleucine at codon 1405 of the FBN1 protein. Computational prediction suggests that this variant may not impact protein structure and function (internally defined REVEL score threshold <= 0.5, PMID: 27666373). To our knowledge, functional studies have not been reported for this variant. This variant has not been reported in individuals affected with FBN1-related disorders in the literature. This variant has not been identified in the general population by the Genome Aggregation Database (gnomAD). The available evidence is insufficient to determine the role of this variant in disease conclusively. Therefore, this variant is classified as a Variant of Uncertain Significance.

This study involves interpretation of variants in research participants for the purpose of population health screening. Participant phenotype was not available at the time of variant classification. Additional details can be found in publication PMID: 35346344, PMCID: PMC8962531

NM_000138.5(FBN1):c.4213C>A (p.Leu1405Ile)

Genes: FBN1 (fibrillin 1; minus strand), LOC126862124 (CDK7 strongly-dependent group 2 enhancer GRCh37_chr15:48764566-48765765; plus strand). Cytogenetic location: 15q21.1.
Variant type: single nucleotide variant.
Coding change: c.4213C>A on transcript NM_000138.5 (MANE Select); coding-DNA position 4213, C replaced by A.
Protein change: p.Leu1405Ile; replaces leucine 1405 with isoleucine.
Molecular consequence: missense variant.
Genome position (GRCh38, 1-based): chr15:48,472,674, G>T on the plus strand (C>A on the coding strand, the complement: FBN1 is on the minus strand). VCF-style: chr15-48472674-G-T. GRCh37 (hg19) VCF-style: chr15-48764871-G-T.
Other names: c.4213C>A, p.Leu1405Ile (NM_001406716.1); short protein forms L1405I.
Identifiers: ClinVar variation 3070734 (VCV003070734.1), dbSNP rs2505513756, ClinGen allele CA392318158.